The following is an entry in ClinVar:

ClinVar aggregate classification (germline): Uncertain significance (1 of 4 stars; one submission).

Submission:

GeneDx
Classification: Uncertain significance. Last evaluated: 2026-03-08. Review status: criteria provided, single submitter. Criteria: GeneDx Variant Classification Process June 2021. Collection method: clinical testing. Allele origin: germline.
Comment: Not observed at significant frequency in large population cohorts (gnomAD); In silico analysis supports that this missense variant has a deleterious effect on protein structure/function; Has not been previously published as pathogenic or benign to our knowledge

NM_002637.4(PHKA1):c.1331T>C (p.Ile444Thr)

Gene: PHKA1 (phosphorylase kinase regulatory subunit alpha 1; minus strand). Cytogenetic location: Xq13.1.
Variant type: single nucleotide variant.
Coding change: c.1331T>C on transcript NM_002637.4 (MANE Select); coding-DNA position 1331, T replaced by C.
Protein change: p.Ile444Thr; replaces isoleucine 444 with threonine.
Molecular consequence: missense variant.
Genome position (GRCh38, 1-based): chrX:72,644,490, A>G on the plus strand (T>C on the coding strand, the complement: PHKA1 is on the minus strand). VCF-style: chrX-72644490-A-G. GRCh37 (hg19) VCF-style: chrX-71864340-A-G.
Other names: c.1331T>C, p.Ile444Thr (NM_001122670.2, NM_001172436.2, NM_001431068.1 and 2 more transcripts); short protein forms I444T.
Identifiers: ClinVar variation 5008133 (VCV005008133.1).